The following is an entry in ClinVar:

NM_001458.5(FLNC):c.7795G>C (p.Gly2599Arg)

Genes: FLNC-AS1 (FLNC antisense RNA 1; minus strand), FLNC (filamin C; plus strand). Cytogenetic location: 7q32.1.
Variant type: single nucleotide variant.
Coding change: c.7795G>C on transcript NM_001458.5 (MANE Select); coding-DNA position 7795, G replaced by C.
Protein change: p.Gly2599Arg; replaces glycine 2599 with arginine.
Molecular consequence: missense variant.
Genome position (GRCh38, 1-based): chr7:128,858,022, G>C. VCF-style: chr7-128858022-G-C. GRCh37 (hg19) VCF-style: chr7-128498076-G-C.
Other names: c.7696G>C, p.Gly2566Arg (NM_001127487.2); short protein forms G2599R, G2566R.
Identifiers: ClinVar variation 4824284 (VCV004824284.1).
Genomic context (GRCh38, chr7:128,858,022, plus strand): 5'-GGAAGCCCTTCTGACTAGGTTTGTGCCCCCTCCACCCACCCCTCAGGTCCGAGGCTGTCC[G>C]GAGGCCACAGCCTTCACGAAACATCCACGGTTCTGGTGGAGACTGTGACCAAGTCCTCCT-3'
Protein context (NP_001449.3, residues 2589-2609): KAKVTGPRLS[Gly2599Arg]GHSLHETSTV

ClinVar aggregate classification (germline): Uncertain significance (1 of 4 stars; one submission).

Conditions:
Cardiovascular phenotype. Identifiers: MedGen CN230736.

Submission:

Ambry Genetics
Classification: Uncertain significance for Cardiovascular phenotype. Last evaluated: 2026-02-19. Review status: criteria provided, single submitter. Criteria: Ambry Variant Classification Scheme 2023. Collection method: clinical testing. Allele origin: germline.
Comment: The p.G2599R variant (also known as c.7795G>C), located in coding exon 47 of the FLNC gene, results from a G to C substitution at nucleotide position 7795. The glycine at codon 2599 is replaced by arginine, an amino acid with dissimilar properties. This amino acid position is conserved. In addition, the in silico prediction for this alteration is inconclusive. Based on the available evidence, the clinical significance of this variant remains unclear.